The following is an entry in ClinVar:

NM_001298.3(CNGA3):c.822G>T (p.Arg274Ser)

Gene: CNGA3 (cyclic nucleotide gated channel subunit alpha 3; plus strand). Cytogenetic location: 2q11.2.
Variant type: single nucleotide variant.
Coding change: c.822G>T on transcript NM_001298.3 (MANE Select); coding-DNA position 822, G replaced by T.
Protein change: p.Arg274Ser; replaces arginine 274 with serine.
Molecular consequence: missense variant.
Genome position (GRCh38, 1-based): chr2:98,395,992, G>T. VCF-style: chr2-98395992-G-T. GRCh37 (hg19) VCF-style: chr2-99012455-G-T.
Other names: c.768G>T, p.Arg256Ser (NM_001079878.2); short protein forms R256S, R274S.
Identifiers: ClinVar variation 800820 (VCV000800820.7), dbSNP rs368513591, ClinGen allele CA1793901.

ClinVar aggregate classification (germline): Pathogenic. Review status: criteria provided, multiple submitters, no conflicts (2 of 4 stars). 6 submissions from 6 submitters: Pathogenic (3). 3 of the submissions do not count toward it. Last evaluated 2026-01-22.

Conditions:
CNGA3-related disorders.
Achromatopsia 2 (ACHM2). Also called: ROD MONOCHROMACY 2; ROD MONOCHROMATISM 2; COLORBLINDNESS, TOTAL. Identifiers: Orphanet 49382, MedGen C1857618, MONDO:0009003, OMIM 216900.

Allele frequency attached by ClinVar (database versions not stated): gnomAD exomes 0.00003; 1000 Genomes Project 30x 0.00016; 1000 Genomes Project 0.00020.
gnomAD v4.1: 12 of 1,614,212 alleles (0.00074%); highest among the groups gnomAD compares: South Asian, 0.013%; no homozygotes.

Submissions (6):

Labcorp Genetics (formerly Invitae), Labcorp
Classification: Pathogenic. Last evaluated: 2026-01-22. Review status: criteria provided, single submitter. Criteria: Invitae Variant Classification Sherloc (09022015). Collection method: clinical testing. Allele origin: germline.
Comment: This sequence change replaces arginine, which is basic and polar, with serine, which is neutral and polar, at codon 274 of the CNGA3 protein (p.Arg274Ser). This variant is present in population databases (rs368513591, gnomAD 0.03%). This missense change has been observed in individuals with achromatopsia (PMID: 20454696, 35332618, 37734845, 38155673). It has also been observed to segregate with disease in related individuals. ClinVar contains an entry for this variant (Variation ID: 800820). Invitae Evidence Modeling of protein sequence and biophysical properties (such as structural, functional, and spatial information, amino acid conservation, physicochemical variation, residue mobility, and thermodynamic stability) indicates that this missense variant is expected to disrupt CNGA3 protein function with a positive predictive value of 95%. For these reasons, this variant has been classified as Pathogenic.

Blueprint Genetics
Classification: Pathogenic for CNGA3-related disorders. Last evaluated: 2020-03-09. Review status: criteria provided, single submitter. Criteria: ACMG Guidelines, 2015. Collection method: clinical testing. Allele origin: germline. Affected: yes. Observed: 3 variant alleles.

Suma Genomics
Classification: Pathogenic for Achromatopsia 2. Review status: criteria provided, single submitter. Criteria: ACMG Guidelines, 2015. Collection method: clinical testing. Allele origin: germline. Inheritance: Autosomal recessive inheritance. Affected: yes. Observed: 1 variant allele, 1 compound heterozygote.
Comment: A missense variant c.822G>T, p.(Arg274Ser) is observed in exon 8 of CNGA3 in trans with another pathogenic variant c.485A>T, p.(Asp162Val). Biallelic loss-of-function variants in CNGA3 are associated with Achromatopsia 2 (MIM# 216900). ACMG Classification: Pathogenic Criteria met: PM2_Supporting: Extremely low frequency in gnomAD population databases PM3: For recessive disorders, detected in trans with a pathogenic variant, or in a homozygous or compound heterozygous state in affected cases PP1_Strong: co-segregation PP3_Moderate: For a missense or a splicing region variant, computational prediction tools unanimously support a deleterious effect on the gene PP4_Supporting: Patient's phenotype or family history is highly specific for a disease with a single genetic etiology

Biochemical Molecular Genetic Laboratory, King Abdulaziz Medical City
Classification: Uncertain significance for Achromatopsia 2. Last evaluated: 2019-08-25. Review status: no assertion criteria provided. Collection method: clinical testing. Allele origin: germline. Affected: yes. Not counted in ClinVar's aggregate classification.

Genome Diagnostics Laboratory, Amsterdam University Medical Center
Classification: Pathogenic. Review status: no assertion criteria provided. Collection method: clinical testing. Allele origin: germline. Affected: yes. Study: VKGL Data-share Consensus. Not counted in ClinVar's aggregate classification.

Joint Genome Diagnostic Labs from Nijmegen and Maastricht, Radboudumc and MUMC+
Classification: Pathogenic. Review status: no assertion criteria provided. Collection method: clinical testing. Allele origin: germline. Affected: yes. Study: VKGL Data-share Consensus. Not counted in ClinVar's aggregate classification.

Literature cited by the submitters: PubMed 20454696 (cited by Labcorp Genetics (formerly Invitae), Labcorp); PubMed 35332618 (cited by Labcorp Genetics (formerly Invitae), Labcorp); PubMed 37734845 (cited by Labcorp Genetics (formerly Invitae), Labcorp); PubMed 38155673 (cited by Labcorp Genetics (formerly Invitae), Labcorp).